The following is an entry in ClinVar:

ClinVar aggregate classification (germline): Uncertain significance. Review status: criteria provided, multiple submitters, no conflicts (2 of 4 stars). 2 submissions from 2 submitters: Uncertain significance (2). Last evaluated 2025-11-03.

Conditions:
Norman-Roberts syndrome (LIS2). Also called: Lissencephaly 2 (Norman-Roberts type). Identifiers: Orphanet 89844, MedGen C0796089, MONDO:0009760, OMIM 257320.
Familial temporal lobe epilepsy 7. Identifiers: Orphanet 101046, MedGen C4225327, MONDO:0014639, OMIM 616436.

Allele frequency attached by ClinVar (database versions not stated): TOPMed below 0.00001; gnomAD 0.00001; gnomAD exomes 0.00001; ExAC 0.00003.
gnomAD v4.1: 19 of 1,613,976 alleles (0.0012%); highest among the groups gnomAD compares: Admixed American, 0.0017%; no homozygotes.

Submissions (2):

Labcorp Genetics (formerly Invitae), Labcorp
Classification: Uncertain significance for Familial temporal lobe epilepsy 7; Norman-Roberts syndrome. Last evaluated: 2025-11-03. Review status: criteria provided, single submitter. Criteria: Invitae Variant Classification Sherloc (09022015). Collection method: clinical testing. Allele origin: germline.
Comment: This sequence change replaces valine, which is neutral and non-polar, with methionine, which is neutral and non-polar, at codon 2546 of the RELN protein (p.Val2546Met). This variant is present in population databases (rs773953557, gnomAD 0.004%). This variant has not been reported in the literature in individuals affected with RELN-related conditions. ClinVar contains an entry for this variant (Variation ID: 2043775). Invitae Evidence Modeling of protein sequence and biophysical properties (such as structural, functional, and spatial information, amino acid conservation, physicochemical variation, residue mobility, and thermodynamic stability) indicates that this missense variant is not expected to disrupt RELN protein function with a negative predictive value of 80%. In summary, the available evidence is currently insufficient to determine the role of this variant in disease. Therefore, it has been classified as a Variant of Uncertain Significance.

Blueprint Genetics
Classification: Uncertain significance. Last evaluated: 2024-09-24. Review status: criteria provided, single submitter. Criteria: ACMG Guidelines, 2015. Collection method: clinical testing. Allele origin: germline.

NM_005045.4(RELN):c.7636G>A (p.Val2546Met)

Gene: RELN (reelin; minus strand). Cytogenetic location: 7q22.1.
Variant type: single nucleotide variant.
Coding change: c.7636G>A on transcript NM_005045.4 (MANE Select); coding-DNA position 7636, G replaced by A.
Protein change: p.Val2546Met; replaces valine 2546 with methionine.
Molecular consequence: missense variant.
Genome position (GRCh38, 1-based): chr7:103,522,054, C>T on the plus strand (G>A on the coding strand, the complement: RELN is on the minus strand). VCF-style: chr7-103522054-C-T. GRCh37 (hg19) VCF-style: chr7-103162501-C-T.
Other names: c.7636G>A, p.Val2546Met (NM_173054.3); short protein forms V2546M.
Identifiers: ClinVar variation 2043775 (VCV002043775.5), dbSNP rs773953557, ClinGen allele CA4420696.